The following is an entry in ClinVar:

ClinVar aggregate classification (germline): Uncertain significance (1 of 4 stars; one submission).

Conditions:
Left ventricular noncompaction 8 (LVNC8). Identifiers: Orphanet 154, Orphanet 54260, MedGen C3809288, MONDO:0014152, OMIM 615373.

Submission:

Labcorp Genetics (formerly Invitae), Labcorp
Classification: Uncertain significance for Left ventricular noncompaction 8. Last evaluated: 2020-07-24. Review status: criteria provided, single submitter. Criteria: Invitae Variant Classification Sherloc (09022015). Collection method: clinical testing. Allele origin: germline.
Comment: In summary, the available evidence is currently insufficient to determine the role of this variant in disease. Therefore, it has been classified as a Variant of Uncertain Significance. The current clinical and genetic evidence is not sufficient to establish whether loss-of-function variants in PRDM16 cause disease. This variant has not been reported in the literature in individuals with PRDM16-related conditions. This variant is not present in population databases (ExAC no frequency). This sequence change creates a premature translational stop signal (p.Glu271Thrfs*63) in the PRDM16 gene. It is expected to result in an absent or disrupted protein product.

NM_022114.4(PRDM16):c.811_841del (p.Glu271fs)

Gene: PRDM16 (PR/SET domain 16; plus strand). Cytogenetic location: 1p36.32.
Variant type: Deletion.
Coding change: c.811_841del on transcript NM_022114.4 (MANE Select); coding-DNA positions 811 to 841, 31 bases deleted.
Protein change: p.Glu271fs; shifts the reading frame from glutamic acid 271.
Molecular consequence: frameshift variant.
Genome position (GRCh38, 1-based): chr1:3,402,925-3,402,955, 31 bases deleted; deleting any 31 consecutive bases within chr1:3,402,918-3,402,955 gives the same sequence; the c. name uses the placement nearest the transcript's 3' end. GRCh37 (hg19): chr1:3,319,489-3,319,519.
Other names: c.811_841del, p.Glu271fs (NM_199454.3); short protein forms E271fs.
Identifiers: ClinVar variation 1053407 (VCV001053407.7), dbSNP rs2100642510, ClinGen allele CA2499214691.
Genomic context (GRCh38, chr1:3,402,917, plus strand): 5'-ATAAGAAGTACACGTGTGGCTCAGTGGGGGCTGCGCTCTACGAGGGCCTGGCTGAGGAGC[TCAAGCCCGAGGGCCTTGGCGGTGGCAGCGGC>T]CAAGCCCACGAGTGCAAGGACTGCGAGCGGATGTTCCCCAACAAGTACAGGTGCCACGCC-3'